The following is an entry in ClinVar:

NM_000246.4(CIITA):c.3357C>T (p.His1119=)

Gene: CIITA (class II major histocompatibility complex transactivator; plus strand). Cytogenetic location: 16p13.13.
Variant type: single nucleotide variant.
Coding change: c.3357C>T on transcript NM_000246.4 (MANE Select); coding-DNA position 3357, C replaced by T.
Protein change: p.His1119=; no amino-acid change (histidine 1119 retained).
Molecular consequence: synonymous variant. On other transcripts: non-coding transcript variant (1).
Genome position (GRCh38, 1-based): chr16:10,923,267, C>T. VCF-style: chr16-10923267-C-T. GRCh37 (hg19) VCF-style: chr16-11017124-C-T.
Other names: c.3360C>T, p.His1120= (NM_001286402.1, NM_001379332.1); c.1605C>T, p.His535= (NM_001286403.2); c.3213C>T, p.His1071= (NM_001379330.1); c.3210C>T, p.His1070= (NM_001379331.1); c.3357C>T, p.His1119= (NM_001379333.1); c.3288C>T, p.His1096= (NM_001379334.1).
Identifiers: ClinVar variation 737125 (VCV000737125.18), dbSNP rs754706834, ClinGen allele CA7900800.

ClinVar aggregate classification (germline): Conflicting classifications of pathogenicity. Review status: criteria provided, conflicting classifications (1 of 4 stars). 4 submissions from 4 submitters: Uncertain significance (1); Likely benign (2). 1 of the submissions does not count toward it. Last evaluated 2024-12-04.

Conditions:
CIITA-related disorder. Also called: CIITA-related condition.
MHC class II deficiency. Also called: Bare lymphocyte syndrome 2; BLS, TYPE II. Identifiers: Orphanet 572, MedGen C5447452, MONDO:0008855.

Allele frequency attached by ClinVar (database versions not stated): gnomAD 0.00003; gnomAD exomes 0.00003 and 0.00002; TOPMed 0.00004; ExAC 0.00003.
gnomAD v4.1: 31 of 1,613,682 alleles (0.0019%); highest among the groups gnomAD compares: Non-Finnish European, 0.0025%; no homozygotes.

Submissions (4):

Labcorp Genetics (formerly Invitae), Labcorp
Classification: Likely benign for MHC class II deficiency. Last evaluated: 2024-12-04. Review status: criteria provided, single submitter. Criteria: Invitae Variant Classification Sherloc (09022015). Collection method: clinical testing. Allele origin: germline.

Blueprint Genetics
Classification: Likely benign. Last evaluated: 2024-11-19. Review status: criteria provided, single submitter. Criteria: ACMG Guidelines, 2015. Collection method: clinical testing. Allele origin: germline.

Illumina Laboratory Services, Illumina
Classification: Uncertain significance for MHC class II deficiency 1. Last evaluated: 2018-01-13. Review status: criteria provided, single submitter. Criteria: ICSL Variant Classification Criteria 13 December 2019. Collection method: clinical testing. Allele origin: germline.

PreventionGenetics, part of Exact Sciences
Classification: Likely benign for CIITA-related condition. Last evaluated: 2023-07-31. Review status: no assertion criteria provided. Collection method: clinical testing. Allele origin: germline. Not counted in ClinVar's aggregate classification.
Comment: This variant is classified as likely benign based on ACMG/AMP sequence variant interpretation guidelines (Richards et al. 2015 PMID: 25741868, with internal and published modifications).